The following is an entry in ClinVar:

NM_025132.4(WDR19):c.53A>G (p.Gln18Arg)

Gene: WDR19 (WD repeat domain 19; plus strand). Cytogenetic location: 4p14.
Variant type: single nucleotide variant.
Coding change: c.53A>G on transcript NM_025132.4 (MANE Select); coding-DNA position 53, A replaced by G.
Protein change: p.Gln18Arg; replaces glutamine 18 with arginine.
Molecular consequence: missense variant. On other transcripts: 5 prime UTR variant (1).
Genome position (GRCh38, 1-based): chr4:39,185,772, A>G. VCF-style: chr4-39185772-A-G. GRCh37 (hg19) VCF-style: chr4-39187392-A-G.
Other names: c.-312A>G (NM_001317924.2); short protein forms Q18R.
Identifiers: ClinVar variation 2179233 (VCV002179233.1), dbSNP rs770324810, ClinGen allele CA95676069.

ClinVar aggregate classification (germline): Uncertain significance (1 of 4 stars; one submission).

Conditions:
Senior-Loken syndrome 8 (SLSN8). Identifiers: Orphanet 3156, MedGen C4225376, MONDO:0014579, OMIM 616307.
Asphyxiating thoracic dystrophy 5 (SRTD5). Also called: SHORT-RIB THORACIC DYSPLASIA 5 WITH OR WITHOUT POLYDACTYLY; SHORT-RIB THORACIC DYSPLASIA 5 WITHOUT POLYDACTYLY. Identifiers: Orphanet 474, MedGen C3280598, MONDO:0013717, OMIM 614376.

Allele frequency attached by ClinVar (database versions not stated): gnomAD exomes below 0.00001.

Submission:

Labcorp Genetics (formerly Invitae), Labcorp
Classification: Uncertain significance for Senior-Loken syndrome 8; Asphyxiating thoracic dystrophy 5. Last evaluated: 2022-08-16. Review status: criteria provided, single submitter. Criteria: Invitae Variant Classification Sherloc (09022015). Collection method: clinical testing. Allele origin: germline.
Comment: This sequence change replaces glutamine, which is neutral and polar, with arginine, which is basic and polar, at codon 18 of the WDR19 protein (p.Gln18Arg). This variant is not present in population databases (gnomAD no frequency). This variant has not been reported in the literature in individuals affected with WDR19-related conditions. Algorithms developed to predict the effect of missense changes on protein structure and function output the following: SIFT: "Tolerated"; PolyPhen-2: "Benign"; Align-GVGD: "Class C0". The arginine amino acid residue is found in multiple mammalian species, which suggests that this missense change does not adversely affect protein function. In summary, the available evidence is currently insufficient to determine the role of this variant in disease. Therefore, it has been classified as a Variant of Uncertain Significance.